The following is an entry in ClinVar:

ClinVar aggregate classification (germline): Uncertain significance (1 of 4 stars; one submission).

Conditions:
MTHFS-related disorder. Also called: MTHFS-related condition.

Submission:

PreventionGenetics, part of Exact Sciences
Classification: Uncertain significance for MTHFS-related condition. Last evaluated: 2025-04-28. Review status: criteria provided, single submitter. Criteria: ACMG Guidelines, 2015. Collection method: clinical testing. Allele origin: germline.
Comment: The MTHFS c.268A>G variant is predicted to result in the amino acid substitution p.Met90Val. To our knowledge, this variant has not been reported in the literature. This variant is reported in 0.0046% of alleles in individuals of European (Non-Finnish) descent in gnomAD. At this time, the clinical significance of this variant is uncertain due to the absence of conclusive functional and genetic evidence.

NM_006441.4(MTHFS):c.268A>G (p.Met90Val)

Genes: MTHFS (methenyltetrahydrofolate synthetase; minus strand), ST20-MTHFS (ST20-MTHFS readthrough; minus strand). Cytogenetic location: 15q25.1.
Variant type: single nucleotide variant.
Coding change: c.268A>G on transcript NM_006441.4 (MANE Select); coding-DNA position 268, A replaced by G.
Protein change: p.Met90Val; replaces methionine 90 with valine.
Molecular consequence: missense variant. On other transcripts: non-coding transcript variant (1).
Genome position (GRCh38, 1-based): chr15:79,889,204, T>C on the plus strand (A>G on the coding strand, the complement: MTHFS is on the minus strand). VCF-style: chr15-79889204-T-C. GRCh37 (hg19) VCF-style: chr15-80181546-T-C.
Other names: c.196A>G, p.Met66Val (NM_001199760.2); c.97A>G, p.Met33Val (NM_001199758.1); short protein forms M66V, M90V, M33V.
Identifiers: ClinVar variation 4977323 (VCV004977323.1).
Genomic context (GRCh38, chr15:79,889,204, plus strand): 5'-TCCAGGATGTTTTGGGAAGTAAAGAAATTTCCTCTGGTGATTCTATTCTCACCATATCCA[T>C]GTGATTGCTCTGGAACCGGTACCGAGGGATGAAGCAGATTTTGCCTCGTTGGAAAATGTC-3'
Protein context (NP_006432.1, residues 80-100): IPRYRFQSNH[Met90Val]DMVRIESPEE